The following is an entry in ClinVar:

ClinVar aggregate classification (germline): Uncertain significance (1 of 4 stars; one submission).

Submission:

Labcorp Genetics (formerly Invitae), Labcorp
Classification: Uncertain significance. Last evaluated: 2025-11-17. Review status: criteria provided, single submitter. Criteria: Invitae Variant Classification Sherloc (09022015). Collection method: clinical testing. Allele origin: germline.
Comment: This sequence change falls in intron 21 of the MSH3 gene. It does not directly change the encoded amino acid sequence of the MSH3 protein. It affects a nucleotide within the consensus splice site. This variant is not present in population databases (gnomAD no frequency). This variant has not been reported in the literature in individuals affected with MSH3-related conditions. ClinVar contains an entry for this variant (Variation ID: 1399960). Variants that disrupt the consensus splice site are a relatively common cause of aberrant splicing (PMID: 17576681, 9536098). Algorithms developed to predict the effect of sequence changes on RNA splicing suggest that this variant may disrupt the consensus splice site. In summary, the available evidence is currently insufficient to determine the role of this variant in disease. Therefore, it has been classified as a Variant of Uncertain Significance.

Literature cited by the submitters: PubMed 17576681; PubMed 9536098.

NM_002439.5(MSH3):c.3000+2dup

Gene: MSH3 (mutS homolog 3; plus strand). Cytogenetic location: 5q14.1.
Variant type: Duplication.
Coding change: c.3000+2dup on transcript NM_002439.5 (MANE Select); the canonical splice donor site of the intron after coding-DNA position 3000, one base duplicated (T; older notation c.3000+2dupT).
Molecular consequence: splice donor variant.
Genome position (GRCh38, 1-based): chr5:80,854,318, T duplicated. VCF-style (leftmost placement, unchanged base first): chr5-80854317-G-GT. GRCh37 (hg19) VCF-style: chr5-80150136-G-GT.
Identifiers: ClinVar variation 1399960 (VCV001399960.6), dbSNP rs2112106717, ClinGen allele CA2573139950.